The following is an entry in ClinVar:

NM_002907.4(RECQL):c.1300A>T (p.Asn434Tyr)

Gene: RECQL (RecQ like helicase; minus strand). Cytogenetic location: 12p12.1.
Variant type: single nucleotide variant.
Coding change: c.1300A>T on transcript NM_002907.4 (MANE Select); coding-DNA position 1300, A replaced by T.
Protein change: p.Asn434Tyr; replaces asparagine 434 with tyrosine.
Molecular consequence: missense variant.
Genome position (GRCh38, 1-based): chr12:21,474,896, T>A on the plus strand (A>T on the coding strand, the complement: RECQL is on the minus strand). VCF-style: chr12-21474896-T-A. GRCh37 (hg19) VCF-style: chr12-21627830-T-A.
Other names: c.1300A>T, p.Asn434Tyr (NM_032941.3); short protein forms N434Y.
Identifiers: ClinVar variation 1370951 (VCV001370951.10), dbSNP rs752884057, ClinGen allele CA384118406.

ClinVar aggregate classification (germline): Uncertain significance. Review status: criteria provided, multiple submitters, no conflicts (2 of 4 stars). 2 submissions from 2 submitters: Uncertain significance (2). Last evaluated 2023-10-03.

Submissions (2):

Labcorp Genetics (formerly Invitae), Labcorp
Classification: Uncertain significance. Last evaluated: 2023-10-03. Review status: criteria provided, single submitter. Criteria: Invitae Variant Classification Sherloc (09022015). Collection method: clinical testing. Allele origin: germline.
Comment: This sequence change replaces asparagine, which is neutral and polar, with tyrosine, which is neutral and polar, at codon 434 of the RECQL protein (p.Asn434Tyr). This variant is not present in population databases (gnomAD no frequency). This variant has not been reported in the literature in individuals affected with RECQL-related conditions. ClinVar contains an entry for this variant (Variation ID: 1370951). Advanced modeling of protein sequence and biophysical properties (such as structural, functional, and spatial information, amino acid conservation, physicochemical variation, residue mobility, and thermodynamic stability) performed at Invitae indicates that this missense variant is not expected to disrupt RECQL protein function. In summary, the available evidence is currently insufficient to determine the role of this variant in disease. Therefore, it has been classified as a Variant of Uncertain Significance.

Ambry Genetics
Classification: Uncertain significance. Last evaluated: 2020-12-03. Review status: criteria provided, single submitter. Criteria: Ambry Variant Classification Scheme 2023. Collection method: clinical testing. Allele origin: germline.
Comment: The p.N434Y variant (also known as c.1300A>T), located in coding exon 10 of the RECQL gene, results from an A to T substitution at nucleotide position 1300. The asparagine at codon 434 is replaced by tyrosine, an amino acid with dissimilar properties. This amino acid position is well conserved in available vertebrate species. In addition, this alteration is predicted to be tolerated by in silico analysis. Since supporting evidence is limited at this time, the clinical significance of this alteration remains unclear.